The following is an entry in ClinVar:

ClinVar aggregate classification (germline): Likely benign. Review status: criteria provided, multiple submitters, no conflicts (2 of 4 stars). 3 submissions from 3 submitters: Likely benign (3). Last evaluated 2024-05-15.

Conditions:
Autosomal recessive limb-girdle muscular dystrophy type 2J (LGMDR10). Also called: Limb-girdle muscular dystrophy, type 2J; MUSCULAR DYSTROPHY, LIMB-GIRDLE, AUTOSOMAL RECESSIVE 10. Identifiers: Orphanet 140922, MedGen C1837342, MONDO:0012127, OMIM 608807.
Dilated cardiomyopathy 1G (CMD1G). Identifiers: Orphanet 154, MedGen C1858763, MONDO:0011400, OMIM 604145.

Allele frequency attached by ClinVar (database versions not stated): gnomAD exomes below 0.00001.
gnomAD v4.1: 1 of 1,612,014 alleles (0.000062%); highest among the groups gnomAD compares: Non-Finnish European, 0.000085%; no homozygotes.

Submissions (3):

Labcorp Genetics (formerly Invitae), Labcorp
Classification: Likely benign for Dilated cardiomyopathy 1G; Autosomal recessive limb-girdle muscular dystrophy type 2J. Last evaluated: 2024-05-15. Review status: criteria provided, single submitter. Criteria: Invitae Variant Classification Sherloc (09022015). Collection method: clinical testing. Allele origin: germline.

CeGaT Center for Human Genetics Tuebingen
Classification: Likely benign. Last evaluated: 2019-03-01. Review status: criteria provided, single submitter. Criteria: CeGaT Center For Human Genetics Tuebingen Variant Classification Criteria Version 2. Collection method: clinical testing. Allele origin: germline. Affected: yes. Observed: 1 variant allele.

Laboratory for Molecular Medicine, Mass General Brigham Personalized Medicine
Classification: Likely benign. Last evaluated: 2015-05-28. Review status: criteria provided, single submitter. Criteria: LMM Criteria. Collection method: clinical testing. Allele origin: germline. Observed: 1 variant allele.
Comment: p.Ala12985Ala in exon 199 of TTN: This variant is not expected to have clinical significance because it does not alter an amino acid residue and is not located within the splice consensus sequence.

NM_001267550.2(TTN):c.46659C>G (p.Ala15553=)

Genes: TTN (titin; minus strand), TTN-AS1 (TTN antisense RNA 1; plus strand). Cytogenetic location: 2q31.2.
Variant type: single nucleotide variant.
Coding change: c.46659C>G on transcript NM_001267550.2 (MANE Select); coding-DNA position 46659, C replaced by G.
Protein change: p.Ala15553=; no amino-acid change (alanine 15553 retained).
Molecular consequence: synonymous variant.
Genome position (GRCh38, 1-based): chr2:178,619,658, G>C on the plus strand (C>G on the coding strand, the complement: TTN is on the minus strand). VCF-style: chr2-178619658-G-C. GRCh37 (hg19) VCF-style: chr2-179484385-G-C.
Other names: c.38955C>G, p.Ala12985= (NM_133378.4); c.41736C>G, p.Ala13912= (NM_001256850.1); c.19464C>G, p.Ala6488= (NM_003319.4); c.19839C>G, p.Ala6613= (NM_133432.3); c.20040C>G, p.Ala6680= (NM_133437.4).
Identifiers: ClinVar variation 228097 (VCV000228097.50), dbSNP rs876657606, ClinGen allele CA10576525.